The following is an entry in ClinVar:

NM_001122659.3(EDNRB):c.385A>G (p.Asn129Asp)

Gene: EDNRB (endothelin receptor type B; minus strand). Cytogenetic location: 13q22.3.
Variant type: single nucleotide variant.
Coding change: c.385A>G on transcript NM_001122659.3 (MANE Select); coding-DNA position 385, A replaced by G.
Protein change: p.Asn129Asp; replaces asparagine 129 with aspartic acid.
Molecular consequence: missense variant.
Genome position (GRCh38, 1-based): chr13:77,918,189, T>C on the plus strand (A>G on the coding strand, the complement: EDNRB is on the minus strand). VCF-style: chr13-77918189-T-C. GRCh37 (hg19) VCF-style: chr13-78492324-T-C.
Other names: c.385A>G, p.Asn129Asp (NM_000115.5, NM_003991.4); c.655A>G, p.Asn219Asp (NM_001201397.2); short protein forms N129D, N219D.
Identifiers: ClinVar variation 3359748 (VCV003359748.1).

ClinVar aggregate classification (germline): Uncertain significance (1 of 4 stars; one submission).

Submission:

GeneDx
Classification: Uncertain significance. Last evaluated: 2023-06-11. Review status: criteria provided, single submitter. Criteria: GeneDx Variant Classification Process June 2021. Collection method: clinical testing. Allele origin: germline. Affected: yes.
Comment: Not observed at significant frequency in large population cohorts (gnomAD); In silico analysis supports that this missense variant has a deleterious effect on protein structure/function; Has not been previously published as pathogenic or benign to our knowledge